The following is an entry in ClinVar:

NM_182914.3(SYNE2):c.1823A>G (p.Glu608Gly)

Gene: SYNE2 (spectrin repeat containing nuclear envelope protein 2; plus strand). Cytogenetic location: 14q23.2.
Variant type: single nucleotide variant.
Coding change: c.1823A>G on transcript NM_182914.3 (MANE Select); coding-DNA position 1823, A replaced by G.
Protein change: p.Glu608Gly; replaces glutamic acid 608 with glycine.
Molecular consequence: missense variant.
Genome position (GRCh38, 1-based): chr14:63,981,160, A>G. VCF-style: chr14-63981160-A-G. GRCh37 (hg19) VCF-style: chr14-64447878-A-G.
Other names: c.1823A>G, p.Glu608Gly (NM_015180.6); short protein forms E608G.
Identifiers: ClinVar variation 656902 (VCV000656902.8), dbSNP rs765250294, ClinGen allele CA7219522.

ClinVar aggregate classification (germline): Uncertain significance (1 of 4 stars; one submission).

Conditions:
Emery-Dreifuss muscular dystrophy 5, autosomal dominant (EDMD5). Also called: EMERY-DREIFUSS MUSCULAR DYSTROPHY 5. Identifiers: Orphanet 261, MedGen C2751805, MONDO:0013072, OMIM 612999.

Allele frequency attached by ClinVar (database versions not stated): gnomAD exomes below 0.00001; ExAC 0.00001.
gnomAD v4.1: 3 of 1,613,386 alleles (0.00019%); highest among the groups gnomAD compares: Non-Finnish European, 0.00025%; no homozygotes.

Submission:

Labcorp Genetics (formerly Invitae), Labcorp
Classification: Uncertain significance for Emery-Dreifuss muscular dystrophy 5, autosomal dominant. Last evaluated: 2018-11-13. Review status: criteria provided, single submitter. Criteria: Invitae Variant Classification Sherloc (09022015). Collection method: clinical testing. Allele origin: germline.
Comment: In summary, the available evidence is currently insufficient to determine the role of this variant in disease. Therefore, it has been classified as a Variant of Uncertain Significance. Algorithms developed to predict the effect of missense changes on protein structure and function (SIFT, PolyPhen-2, Align-GVGD) all suggest that this variant is likely to be tolerated, but these predictions have not been confirmed by published functional studies and their clinical significance is uncertain. This variant has not been reported in the literature in individuals with SYNE2-related disease. This variant is present in population databases (rs765250294, ExAC 0.002%). This sequence change replaces glutamic acid with glycine at codon 608 of the SYNE2 protein (p.Glu608Gly). The glutamic acid residue is weakly conserved and there is a moderate physicochemical difference between glutamic acid and glycine.